The following is an entry in ClinVar:

NM_001134366.2(GAD2):c.458C>A (p.Pro153Gln)

Gene: GAD2 (glutamate decarboxylase 2; plus strand). Cytogenetic location: 10p12.1.
Variant type: single nucleotide variant.
Coding change: c.458C>A on transcript NM_001134366.2 (MANE Select); coding-DNA position 458, C replaced by A.
Protein change: p.Pro153Gln; replaces proline 153 with glutamine.
Molecular consequence: missense variant.
Genome position (GRCh38, 1-based): chr10:26,219,214, C>A. VCF-style: chr10-26219214-C-A. GRCh37 (hg19) VCF-style: chr10-26508143-C-A.
Other names: c.458C>A, p.Pro153Gln (NM_000818.3); short protein forms P153Q.
Identifiers: ClinVar variation 782118 (VCV000782118.29), dbSNP rs2839672, ClinGen allele CA5445812.
Genomic context (GRCh38, chr10:26,219,214, plus strand): 5'-TTGATTTCCATTATCCTAATGAGCTTCTCCAAGAATATAATTGGGAATTGGCAGACCAAC[C>A]ACAAAATTTGGAGGAAATTTTGATGCATTGCCAAACAACTCTAAAATATGCAATTAAAAC-3'
Protein context (NP_001127838.1, residues 143-163): QEYNWELADQ[Pro153Gln]QNLEEILMHC

ClinVar aggregate classification (germline): Benign/Likely benign. Review status: criteria provided, multiple submitters, no conflicts (2 of 4 stars). 3 submissions from 3 submitters: Benign (2); Likely benign (1). Last evaluated 2022-11-01.

Allele frequency attached by ClinVar (database versions not stated): 1000 Genomes Project 0.00280; 1000 Genomes Project 30x 0.00328; TOPMed 0.00449; gnomAD 0.00516 and 0.00526; ESP Exome Variant Server 0.00554; ExAC 0.00608.
gnomAD v4.1: 10,633 of 1,613,700 alleles (0.66%); highest among the groups gnomAD compares: Non-Finnish European, 0.76%; 41 homozygotes.

Submissions (3):

CeGaT Center for Human Genetics Tuebingen
Classification: Likely benign. Last evaluated: 2022-11-01. Review status: criteria provided, single submitter. Criteria: CeGaT Center For Human Genetics Tuebingen Variant Classification Criteria Version 2. Collection method: clinical testing. Allele origin: germline. Affected: yes. Observed: 1 variant allele.
Comment: GAD2: BS2

Labcorp Genetics (formerly Invitae), Labcorp
Classification: Benign. Last evaluated: 2019-12-31. Review status: criteria provided, single submitter. Criteria: Invitae Variant Classification Sherloc (09022015). Collection method: clinical testing. Allele origin: germline.

Breakthrough Genomics
Classification: Benign. Review status: criteria provided, single submitter. Criteria: ACMG Guidelines, 2015. Collection method: not provided. Allele origin: germline. Inheritance: Unknown mechanism. Affected: yes.